The following is an entry in ClinVar:

NM_001846.4(COL4A2):c.4697G>A (p.Trp1566Ter)

Genes: COL4A2 (collagen type IV alpha 2 chain; plus strand), COL4A2-AS1 (COL4A2 antisense RNA 1; minus strand). Cytogenetic location: 13q34.
Variant type: single nucleotide variant.
Coding change: c.4697G>A on transcript NM_001846.4 (MANE Select); coding-DNA position 4697, G replaced by A.
Protein change: p.Trp1566Ter; replaces tryptophan 1566 with a stop codon.
Molecular consequence: nonsense.
Genome position (GRCh38, 1-based): chr13:110,508,037, G>A. VCF-style: chr13-110508037-G-A. GRCh37 (hg19) VCF-style: chr13-111160384-G-A.
Other names: short protein forms W1566*.
Identifiers: ClinVar variation 4538720 (VCV004538720.1).

ClinVar aggregate classification (germline): Uncertain significance (1 of 4 stars; one submission).

Submission:

GeneDx
Classification: Uncertain significance. Last evaluated: 2025-06-16. Review status: criteria provided, single submitter. Criteria: GeneDx Variant Classification Process June 2021. Collection method: clinical testing. Allele origin: germline. Affected: yes.
Comment: Not observed at significant frequency in large population cohorts (gnomAD); Nonsense variant predicted to result in protein truncation or nonsense mediated decay in a gene or region of a gene for which loss of function is not a well-established mechanism of disease; Has not been previously published as pathogenic or benign to our knowledge